The following is an entry in ClinVar:

ClinVar aggregate classification (germline): Uncertain significance (1 of 4 stars; one submission).

Conditions:
Autosomal recessive limb-girdle muscular dystrophy type 2R1 (LGMDR21). Also called: Muscular dystrophy, limb-girdle, type 2z; Autosomal recessive limb-girdle muscular dystrophy type 2Z. Identifiers: Orphanet 480682, MedGen C4310660, MONDO:0014977, OMIM 617232.

Submission:

Kariminejad - Najmabadi Pathology & Genetics Center
Classification: Uncertain significance for Autosomal recessive limb-girdle muscular dystrophy type 2R1. Last evaluated: 2024-08-03. Review status: criteria provided, single submitter. Criteria: ACMG Guidelines, 2015. Collection method: clinical testing. Allele origin: germline. Inheritance: Autosomal recessive inheritance. Affected: yes.
Comment: PM2, PP3,PP4

NM_152305.3(POGLUT1):c.800A>G (p.Tyr267Cys)

Gene: POGLUT1 (protein O-glucosyltransferase 1; plus strand). Cytogenetic location: 3q13.33.
Variant type: single nucleotide variant.
Coding change: c.800A>G on transcript NM_152305.3 (MANE Select); coding-DNA position 800, A replaced by G.
Protein change: p.Tyr267Cys; replaces tyrosine 267 with cysteine.
Molecular consequence: missense variant. On other transcripts: non-coding transcript variant (1).
Genome position (GRCh38, 1-based): chr3:119,490,553, A>G. VCF-style: chr3-119490553-A-G. GRCh37 (hg19) VCF-style: chr3-119209400-A-G.
Other names: short protein forms Y267C.
Identifiers: ClinVar variation 3896955 (VCV003896955.1).
Genomic context (GRCh38, chr3:119,490,553, plus strand): 5'-GTCATATTTGTGGCAGCAGGCATATAGTATCAAATGTATTTTGTTCTTTTTTCCCCAGGT[A>G]TCTGTTTAATTTTCGAGGCGTAGCTGCAAGTTTCCGGTTTAAACACCTCTTCCTGTGTGG-3'
Protein context (NP_689518.1, residues 257-277): VHLVDHCKYK[Tyr267Cys]LFNFRGVAAS